The following is an entry in ClinVar:

NM_017946.4(FKBP14):c.50T>C (p.Leu17Ser)

Genes: FKBP14-AS1 (FKBP14 antisense RNA 1; plus strand), FKBP14 (FKBP prolyl isomerase 14; minus strand). Cytogenetic location: 7p14.3.
Variant type: single nucleotide variant.
Coding change: c.50T>C on transcript NM_017946.4 (MANE Select); coding-DNA position 50, T replaced by C.
Protein change: p.Leu17Ser; replaces leucine 17 with serine.
Molecular consequence: missense variant. On other transcripts: non-coding transcript variant (2).
Genome position (GRCh38, 1-based): chr7:30,026,459, A>G on the plus strand (T>C on the coding strand, the complement: FKBP14 is on the minus strand). VCF-style: chr7-30026459-A-G. GRCh37 (hg19) VCF-style: chr7-30066075-A-G.
Other names: c.50T>C (NM_017946.2); short protein forms L17S.
Identifiers: ClinVar variation 473004 (VCV000473004.7), dbSNP rs1554371125, ClinGen allele CA367118048.

ClinVar aggregate classification (germline): Uncertain significance. Review status: criteria provided, multiple submitters, no conflicts (2 of 4 stars). 2 submissions from 2 submitters: Uncertain significance (2). Last evaluated 2022-05-11.

Conditions:
Ehlers-Danlos syndrome, kyphoscoliotic type, 2. Also called: Ehlers-Danlos syndrome, kyphoscoliotic and deafness type; Ehlers-Danlos syndrome with progressive kyphoscoliosis, myopathy, and hearing loss; FKBP14-Kyphoscoliotic Ehlers-Danlos Syndrome. Identifiers: Orphanet 300179, MedGen C3281160, MONDO:0013800, OMIM 614557.
Cardiovascular phenotype. Identifiers: MedGen CN230736.

Allele frequency attached by ClinVar (database versions not stated): gnomAD exomes below 0.00001.
gnomAD v4.1: 3 of 1,613,306 alleles (0.00019%); highest among the groups gnomAD compares: Non-Finnish European, 0.00017%; no homozygotes.

Submissions (2):

Ambry Genetics
Classification: Uncertain significance for Cardiovascular phenotype. Last evaluated: 2022-05-11. Review status: criteria provided, single submitter. Criteria: Ambry Variant Classification Scheme 2023. Collection method: clinical testing. Allele origin: germline.

Labcorp Genetics (formerly Invitae), Labcorp
Classification: Uncertain significance for Ehlers-Danlos syndrome, kyphoscoliotic type, 2. Last evaluated: 2022-03-26. Review status: criteria provided, single submitter. Criteria: Invitae Variant Classification Sherloc (09022015). Collection method: clinical testing. Allele origin: germline.
Comment: This sequence change replaces leucine, which is neutral and non-polar, with serine, which is neutral and polar, at codon 17 of the FKBP14 protein (p.Leu17Ser). This variant is not present in population databases (gnomAD no frequency). This variant has not been reported in the literature in individuals affected with FKBP14-related conditions. ClinVar contains an entry for this variant (Variation ID: 473004). Algorithms developed to predict the effect of missense changes on protein structure and function output the following: SIFT: "Deleterious"; PolyPhen-2: "Benign"; Align-GVGD: "Class C15". The serine amino acid residue is found in multiple mammalian species, which suggests that this missense change does not adversely affect protein function. In summary, the available evidence is currently insufficient to determine the role of this variant in disease. Therefore, it has been classified as a Variant of Uncertain Significance.